The following is an entry in ClinVar:

ClinVar aggregate classification (germline): Uncertain significance (1 of 4 stars; one submission).

Conditions:
Hereditary cancer-predisposing syndrome. Also called: Neoplastic Syndromes, Hereditary; Tumor predisposition; Hereditary Cancer Syndrome; Hereditary neoplastic syndrome. Identifiers: Orphanet 140162, MedGen C0027672, MeSH D009386, MONDO:0015356.

Submission:

Ambry Genetics
Classification: Uncertain significance for Hereditary cancer-predisposing syndrome. Last evaluated: 2024-11-23. Review status: criteria provided, single submitter. Criteria: Ambry Variant Classification Scheme 2023. Collection method: clinical testing. Allele origin: germline.
Comment: The p.S518T variant (also known as c.1552T>A), located in coding exon 8 of the RET gene, results from a T to A substitution at nucleotide position 1552. The serine at codon 518 is replaced by threonine, an amino acid with similar properties. This amino acid position is conserved. In addition, this alteration is predicted to be deleterious by in silico analysis. Based on the available evidence, the clinical significance of this variant remains unclear.

NM_020975.6(RET):c.1552T>A (p.Ser518Thr)

Gene: RET (ret proto-oncogene; plus strand). Cytogenetic location: 10q11.21.
Variant type: single nucleotide variant.
Coding change: c.1552T>A on transcript NM_020975.6 (MANE Select); coding-DNA position 1552, T replaced by A.
Protein change: p.Ser518Thr; replaces serine 518 with threonine.
Molecular consequence: missense variant.
Genome position (GRCh38, 1-based): chr10:43,112,128, T>A. VCF-style: chr10-43112128-T-A. GRCh37 (hg19) VCF-style: chr10-43607576-T-A.
Other names: c.790T>A, p.Ser264Thr (NM_001355216.2); c.1552T>A, p.Ser518Thr (NM_001406743.1, NM_001406744.1, NM_001406759.1 and 4 more transcripts); c.1423T>A, p.Ser475Thr (NM_001406761.1, NM_001406762.1, NM_001406764.1 and 1 more transcripts); c.1264T>A, p.Ser422Thr (NM_001406766.1, NM_001406767.1, NM_001406770.1); c.1156T>A, p.Ser386Thr (NM_001406769.1, NM_001406772.1); c.1114T>A, p.Ser372Thr (NM_001406771.1, NM_001406773.1); c.1027T>A, p.Ser343Thr (NM_001406774.1); c.826T>A, p.Ser276Thr (NM_001406775.1, NM_001406776.1, NM_001406777.1 and 1 more transcripts); and 5 more; short protein forms S176T, S219T, S343T, S123T, S264T, S276T, S188T, S372T.
Identifiers: ClinVar variation 3432297 (VCV003432297.1).